The following is an entry in ClinVar:

NM_032043.3(BRIP1):c.1535del (p.Glu512fs)

Gene: BRIP1 (BRCA1 interacting DNA helicase 1; minus strand). Cytogenetic location: 17q23.2.
Variant type: Deletion.
Coding change: c.1535del on transcript NM_032043.3 (MANE Select); coding-DNA position 1535, one base deleted (A; older notation c.1535delA).
Protein change: p.Glu512fs; shifts the reading frame from glutamic acid 512.
Molecular consequence: frameshift variant.
Genome position (GRCh38, 1-based): chr17:61,784,363, T deleted on the plus strand (A on the coding strand, the reverse complement: BRIP1 is on the minus strand). VCF-style (leftmost placement, unchanged base first): chr17-61784362-CT-C. GRCh37 (hg19) VCF-style: chr17-59861723-CT-C.
Other names: short protein forms E512fs.
Identifiers: ClinVar variation 3825703 (VCV003825703.2).

ClinVar aggregate classification (germline): Pathogenic. Review status: criteria provided, multiple submitters, no conflicts (2 of 4 stars). 2 submissions from 2 submitters: Pathogenic (2). Last evaluated 2025-04-04.

Conditions:
Familial cancer of breast. Also called: BREAST CANCER, FAMILIAL; hereditary breast carcinoma; Hereditary breast cancer. Identifiers: Orphanet 227535, MedGen C0346153, MONDO:0016419, OMIM 114480. Disease mechanism: loss of function.
Hereditary cancer-predisposing syndrome. Also called: Hereditary neoplastic syndrome; Neoplastic Syndromes, Hereditary; Tumor predisposition; Hereditary Cancer Syndrome. Identifiers: Orphanet 140162, MedGen C0027672, MeSH D009386, MONDO:0015356.

Submissions (2):

Myriad Genetics, Inc.
Classification: Pathogenic for Familial cancer of breast. Last evaluated: 2025-04-04. Review status: criteria provided, single submitter. Criteria: Myriad Autosomal Dominant, Autosomal Recessive and X-Linked Classification Criteria (2023). Collection method: clinical testing. Allele origin: unknown.
Comment: This variant is considered pathogenic. This variant creates a frameshift predicted to result in premature protein truncation.

Ambry Genetics
Classification: Pathogenic for Hereditary cancer-predisposing syndrome. Last evaluated: 2025-03-13. Review status: criteria provided, single submitter. Criteria: Ambry Variant Classification Scheme 2023. Collection method: clinical testing. Allele origin: germline.
Comment: The c.1535delA pathogenic mutation, located in coding exon 10 of the BRIP1 gene, results from a deletion of one nucleotide at nucleotide position 1535, causing a translational frameshift with a predicted alternate stop codon (p.E512Gfs*14). This variant is considered to be rare based on population cohorts in the Genome Aggregation Database (gnomAD). This alteration is expected to result in loss of function by premature protein truncation or nonsense-mediated mRNA decay. As such, this alteration is interpreted as a disease-causing mutation.